The following is an entry in ClinVar:

NM_181458.4(PAX3):c.116A>G (p.Asn39Ser)

Gene: PAX3 (paired box 3; minus strand). Cytogenetic location: 2q36.1.
Variant type: single nucleotide variant.
Coding change: c.116A>G on transcript NM_181458.4 (MANE Select); coding-DNA position 116, A replaced by G.
Protein change: p.Asn39Ser; replaces asparagine 39 with serine.
Molecular consequence: missense variant.
Genome position (GRCh38, 1-based): chr2:222,297,183, T>C on the plus strand (A>G on the coding strand, the complement: PAX3 is on the minus strand). VCF-style: chr2-222297183-T-C. GRCh37 (hg19) VCF-style: chr2-223161902-T-C.
Other names: c.116A>G, p.Asn39Ser (NM_000438.6, NM_001127366.3, NM_013942.5 and 4 more transcripts); short protein forms N39S.
Identifiers: ClinVar variation 1804546 (VCV001804546.3), dbSNP rs2469487023, ClinGen allele CA351113791.

ClinVar aggregate classification (germline): Conflicting classifications of pathogenicity. Review status: criteria provided, conflicting classifications (1 of 4 stars). 2 submissions from 2 submitters: Likely pathogenic (1); Uncertain significance (1). Last evaluated 2026-06-25.

Conditions:
PAX3-related disorder. Also called: PAX3-related condition.

Submissions (2):

GeneDx
Classification: Likely pathogenic. Last evaluated: 2026-06-25. Review status: criteria provided, single submitter. Criteria: GeneDx Variant Classification Process June 2021. Collection method: clinical testing. Allele origin: germline.
Comment: Not observed at significant frequency in large population cohorts (gnomAD); In silico analysis supports that this missense variant has a deleterious effect on protein structure/function; Has not been previously published as pathogenic or benign to our knowledge

PreventionGenetics, part of Exact Sciences
Classification: Uncertain significance for PAX3-related condition. Last evaluated: 2026-04-21. Review status: criteria provided, single submitter. Criteria: ACMG Guidelines, 2015. Collection method: clinical testing. Allele origin: germline.
Comment: The PAX3 c.116A>G variant is predicted to result in the amino acid substitution p.Asn39Ser. To our knowledge, this variant has not been reported in the literature or in a large population database (gnomAD), indicating this variant is rare. Alternative variants at the same codon (p.Asn39Lys and p.Asn39Tyr) have bee reported in individuals with Waardenburg syndrome (Table 1 and 3, Li et al. 2019. PubMed ID: 30936914; Niu et al. 2020. PubMed ID: 32940795; Table S1, Pingault et al. 2010. PubMed ID: 20127975). At this time, the clinical significance of the p.Asn39Ser variant is uncertain due to the absence of conclusive functional and genetic evidence.